The following is an entry in ClinVar:

NM_000143.4(FH):c.657T>G (p.Asp219Glu)

Gene: FH (fumarate hydratase; minus strand). Cytogenetic location: 1q43.
Variant type: single nucleotide variant.
Coding change: c.657T>G on transcript NM_000143.4 (MANE Select); coding-DNA position 657, T replaced by G.
Protein change: p.Asp219Glu; replaces aspartic acid 219 with glutamic acid.
Molecular consequence: missense variant.
Genome position (GRCh38, 1-based): chr1:241,508,684, A>C on the plus strand (T>G on the coding strand, the complement: FH is on the minus strand). VCF-style: chr1-241508684-A-C. GRCh37 (hg19) VCF-style: chr1-241671984-A-C.
Other names: short protein forms D219E.
Identifiers: ClinVar variation 642317 (VCV000642317.9), dbSNP rs995196012, ClinGen allele CA40329469.

ClinVar aggregate classification (germline): Uncertain significance (1 of 4 stars; one submission).

Submission:

Labcorp Genetics (formerly Invitae), Labcorp
Classification: Uncertain significance. Last evaluated: 2024-11-09. Review status: criteria provided, single submitter. Criteria: Invitae Variant Classification Sherloc (09022015). Collection method: clinical testing. Allele origin: germline.
Comment: This sequence change replaces aspartic acid, which is acidic and polar, with glutamic acid, which is acidic and polar, at codon 219 of the FH protein (p.Asp219Glu). This variant is not present in population databases (gnomAD no frequency). This variant has not been reported in the literature in individuals affected with FH-related conditions. ClinVar contains an entry for this variant (Variation ID: 642317). Invitae Evidence Modeling of protein sequence and biophysical properties (such as structural, functional, and spatial information, amino acid conservation, physicochemical variation, residue mobility, and thermodynamic stability) indicates that this missense variant is not expected to disrupt FH protein function with a negative predictive value of 95%. In summary, the available evidence is currently insufficient to determine the role of this variant in disease. Therefore, it has been classified as a Variant of Uncertain Significance.